The following is an entry in ClinVar:

NM_000140.5(FECH):c.949G>A (p.Glu317Lys)

Gene: FECH (ferrochelatase; minus strand). Cytogenetic location: 18q21.31.
Variant type: single nucleotide variant.
Coding change: c.949G>A on transcript NM_000140.5 (MANE Select); coding-DNA position 949, G replaced by A.
Protein change: p.Glu317Lys; replaces glutamic acid 317 with lysine.
Molecular consequence: missense variant.
Genome position (GRCh38, 1-based): chr18:57,554,388, C>T on the plus strand (G>A on the coding strand, the complement: FECH is on the minus strand). VCF-style: chr18-57554388-C-T. GRCh37 (hg19) VCF-style: chr18-55221620-C-T.
Other names: c.949G>A (NM_000140.3); c.967G>A, p.Glu323Lys (NM_001012515.4); c.850G>A, p.Glu284Lys (NM_001371094.1); c.733G>A, p.Glu245Lys (NM_001371095.1); c.949G>A, p.Glu317Lys (NM_001374778.1); short protein forms E317K, E245K, E284K, E323K.
Identifiers: ClinVar variation 2910597 (VCV002910597.5), dbSNP rs200280268, ClinGen allele CA8973028.

ClinVar aggregate classification (germline): Benign. Review status: criteria provided, single submitter (1 of 4 stars). 2 submissions from 2 submitters: Benign (1). 1 of the submissions does not count toward it. Last evaluated 2025-02-19.

Conditions:
FECH-related disorder. Also called: FECH-related condition.

Allele frequency attached by ClinVar (database versions not stated): 1000 Genomes Project 0.00040; gnomAD exomes 0.00035; ExAC 0.00086; TOPMed 0.00003; gnomAD 0.00018; 1000 Genomes Project 30x 0.00047.
gnomAD v4.1: 532 of 1,614,186 alleles (0.033%); highest among the groups gnomAD compares: South Asian, 0.56%; 6 homozygotes.

Submissions (2):

Labcorp Genetics (formerly Invitae), Labcorp
Classification: Benign. Last evaluated: 2025-02-19. Review status: criteria provided, single submitter. Criteria: Invitae Variant Classification Sherloc (09022015). Collection method: clinical testing. Allele origin: germline.

PreventionGenetics, part of Exact Sciences
Classification: Likely benign for FECH-related condition. Last evaluated: 2019-06-28. Review status: no assertion criteria provided. Collection method: clinical testing. Allele origin: germline. Not counted in ClinVar's aggregate classification.
Comment: This variant is classified as likely benign based on ACMG/AMP sequence variant interpretation guidelines (Richards et al. 2015 PMID: 25741868, with internal and published modifications).